The following is an entry in ClinVar:

NM_005633.4(SOS1):c.666_668del (p.Ile223del)

Gene: SOS1 (SOS Ras/Rac guanine nucleotide exchange factor 1; minus strand). Cytogenetic location: 2p22.1.
Variant type: Deletion.
Coding change: c.666_668del on transcript NM_005633.4 (MANE Select); coding-DNA positions 666 to 668, 3 bases deleted (TAT; older notation c.666_668delTAT).
Protein change: p.Ile223del; deletes isoleucine 223.
Molecular consequence: inframe deletion.
Genome position (GRCh38, 1-based): chr2:39,054,666-39,054,668, ATA deleted on the plus strand (TAT on the coding strand, the reverse complement: SOS1 is on the minus strand); deleting any 3 consecutive bases within chr2:39,054,666-39,054,670 gives the same sequence; the c. name uses the placement nearest the transcript's 3' end. VCF-style (leftmost placement, unchanged base first): chr2-39054665-TATA-T. GRCh37 (hg19) VCF-style: chr2-39281806-TATA-T.
Other names: c.645_647del, p.Ile216del (NM_001382394.1); c.666_668del, p.Ile223del (NM_001382395.1); short protein forms I223del, I216del.
Identifiers: ClinVar variation 4720169 (VCV004720169.1).
Genomic context (GRCh38, chr2:39,054,665, plus strand): 5'-GATACTTACATTAGCTGAAAACAATTTTGAATTGGAGACAAAGGGCTCTCTAAAAACTTT[TATA>T]ATTAGATTTAGTTCCCTTATATATTGTCGAATTTCTGCCATAAATGCTTTTACCAAATCA-3'

ClinVar aggregate classification (germline): Uncertain significance (1 of 4 stars; one submission).

Conditions:
RASopathy. Also called: Noonan spectrum disorder; rasopathies. Identifiers: Orphanet 536391, MedGen C5555857, MONDO:0021060.

Submission:

Labcorp Genetics (formerly Invitae), Labcorp
Classification: Uncertain significance for RASopathy. Last evaluated: 2025-06-01. Review status: criteria provided, single submitter. Criteria: Invitae Variant Classification Sherloc (09022015). Collection method: clinical testing. Allele origin: germline.
Comment: This variant, c.666_668del, results in the deletion of 1 amino acid(s) of the SOS1 protein (p.Ile223del), but otherwise preserves the integrity of the reading frame. This variant is not present in population databases (gnomAD no frequency). This variant has not been reported in the literature in individuals affected with SOS1-related conditions. Experimental studies and prediction algorithms are not available or were not evaluated, and the functional significance of this variant is currently unknown. In summary, the available evidence is currently insufficient to determine the role of this variant in disease. Therefore, it has been classified as a Variant of Uncertain Significance.